The following is an entry in ClinVar:

ClinVar aggregate classification (germline): Pathogenic/Likely pathogenic. Review status: criteria provided, multiple submitters, no conflicts (2 of 4 stars). 2 submissions from 2 submitters: Pathogenic (1); Likely pathogenic (1). Last evaluated 2022-07-26.

Conditions:
3-methylglutaconic aciduria type 8. Also called: 3-methylglutaconic aciduria, type VIII. Identifiers: Orphanet 505208, MedGen C4310650, MONDO:0044723, OMIM 617248.

Submissions (2):

Revvity Omics, Revvity
Classification: Likely pathogenic for 3-methylglutaconic aciduria type 8. Last evaluated: 2022-07-26. Review status: criteria provided, single submitter. Criteria: ACMG Guidelines, 2015. Collection method: clinical testing. Allele origin: germline.

Labcorp Genetics (formerly Invitae), Labcorp
Classification: Pathogenic. Last evaluated: 2021-12-04. Review status: criteria provided, single submitter. Criteria: Invitae Variant Classification Sherloc (09022015). Collection method: clinical testing. Allele origin: germline.
Comment: This variant has not been reported in the literature in individuals affected with HTRA2-related conditions. This variant is not present in population databases (gnomAD no frequency). This sequence change creates a premature translational stop signal (p.Leu192Alafs*11) in the HTRA2 gene. It is expected to result in an absent or disrupted protein product. Loss-of-function variants in HTRA2 are known to be pathogenic (PMID: 25531304, 27208207, 27696117). For these reasons, this variant has been classified as Pathogenic.

Literature cited by the submitters: PubMed 25531304 (cited by Labcorp Genetics (formerly Invitae), Labcorp); PubMed 27208207 (cited by Labcorp Genetics (formerly Invitae), Labcorp); PubMed 27696117 (cited by Labcorp Genetics (formerly Invitae), Labcorp).

NM_013247.5(HTRA2):c.573dup (p.Leu192fs)

Genes: HTRA2 (HtrA serine peptidase 2; plus strand), LOC129934141 (ATAC-STARR-seq lymphoblastoid active region 16073; plus strand). Cytogenetic location: 2p13.1.
Variant type: Duplication.
Coding change: c.573dup on transcript NM_013247.5 (MANE Select); coding-DNA position 573, one base duplicated (G; older notation c.573dupG).
Protein change: p.Leu192fs; shifts the reading frame from leucine 192.
Molecular consequence: frameshift variant. On other transcripts: non-coding transcript variant (4).
Genome position (GRCh38, 1-based): chr2:74,530,683, G duplicated; the last of 3 consecutive G bases (chr2:74,530,681-74,530,683); duplicating any one gives the same sequence. VCF-style (leftmost placement, unchanged base first): chr2-74530680-T-TG. GRCh37 (hg19) VCF-style: chr2-74757807-T-TG.
Other names: c.573dup (NM_013247.4); c.573dup, p.Leu192fs (NM_001321727.1, NM_001321728.1, NM_145074.2); short protein forms L192fs.
Identifiers: ClinVar variation 1452957 (VCV001452957.8), dbSNP rs2104369249, ClinGen allele CA2573135991.